The following is an entry in ClinVar:

NM_000051.4(ATM):c.7242A>G (p.Gln2414=)

Genes: ATM (ATM serine/threonine kinase; plus strand), C11orf65 (chromosome 11 open reading frame 65; minus strand). Cytogenetic location: 11q22.3.
Variant type: single nucleotide variant.
Coding change: c.7242A>G on transcript NM_000051.4 (MANE Select); coding-DNA position 7242, A replaced by G.
Protein change: p.Gln2414=; no amino-acid change (glutamine 2414 retained).
Molecular consequence: synonymous variant. On other transcripts: intron variant (2).
Genome position (GRCh38, 1-based): chr11:108,329,173, A>G. VCF-style: chr11-108329173-A-G. GRCh37 (hg19) VCF-style: chr11-108199900-A-G.
Other names: c.7242A>G, p.Gln2414= (NM_001351834.2); c.641-20102T>C (NM_001330368.2); c.*38+6047T>C (NM_001351110.2).
Identifiers: ClinVar variation 1542782 (VCV001542782.10), dbSNP rs761907546, ClinGen allele CA476676738.

ClinVar aggregate classification (germline): Benign/Likely benign. Review status: criteria provided, multiple submitters, no conflicts (2 of 4 stars). 3 submissions from 3 submitters: Benign (1); Likely benign (2). Last evaluated 2026-06-28.

Conditions:
Familial cancer of breast. Also called: BREAST CANCER, FAMILIAL; Hereditary breast cancer; hereditary breast carcinoma. Identifiers: Orphanet 227535, MedGen C0346153, MONDO:0016419, OMIM 114480. Disease mechanism: loss of function.
Ataxia-telangiectasia syndrome (AT). Also called: LOUIS-BAR SYNDROME; Cerebello-oculocutaneous telangiectasia; Immunodeficiency with ataxia telangiectasia; Ataxia telangiectasia (A-T); Ataxia-telangiectasia, complementation group D; AT, COMPLEMENTATION GROUP C. Identifiers: Orphanet 100, MedGen C0004135, MONDO:0008840, OMIM 208900.
Hereditary cancer-predisposing syndrome. Also called: Neoplastic Syndromes, Hereditary; Tumor predisposition; Hereditary Cancer Syndrome; Hereditary neoplastic syndrome. Identifiers: Orphanet 140162, MedGen C0027672, MeSH D009386, MONDO:0015356.

Submissions (3):

Ambry Genetics
Classification: Likely benign for Hereditary cancer-predisposing syndrome. Last evaluated: 2026-06-28. Review status: criteria provided, single submitter. Criteria: Ambry Variant Classification Scheme 2023. Collection method: clinical testing. Allele origin: germline.

Myriad Genetics, Inc.
Classification: Benign for Familial cancer of breast. Last evaluated: 2024-06-13. Review status: criteria provided, single submitter. Criteria: Myriad Autosomal Dominant, Autosomal Recessive and X-Linked Classification Criteria (2023). Collection method: clinical testing. Allele origin: unknown.
Comment: This variant is considered benign. This variant is a silent/synonymous amino acid change and it is not expected to impact splicing.

Labcorp Genetics (formerly Invitae), Labcorp
Classification: Likely benign for Ataxia-telangiectasia syndrome. Last evaluated: 2024-01-08. Review status: criteria provided, single submitter. Criteria: Invitae Variant Classification Sherloc (09022015). Collection method: clinical testing. Allele origin: germline.